The following is an entry in ClinVar:

NM_000057.4(BLM):c.638_639del (p.Ser212_Ser213insTer)

Gene: BLM (BLM RecQ like helicase; plus strand). Cytogenetic location: 15q26.1.
Variant type: Microsatellite.
Coding change: c.638_639del on transcript NM_000057.4 (MANE Select); coding-DNA positions 638 to 639, 2 bases deleted (CT; older notation c.638_639delCT).
Protein change: p.Ser212_Ser213insTer.
Molecular consequence: nonsense. On other transcripts: 5 prime UTR variant (1).
Genome position (GRCh38, 1-based): chr15:90,749,906-90,749,907, CT deleted; deleting any 2 consecutive bases within chr15:90,749,904-90,749,907 gives the same sequence; the c. name uses the placement nearest the transcript's 3' end. VCF-style (leftmost placement, unchanged base first): chr15-90749903-CCT-C. GRCh37 (hg19) VCF-style: chr15-91293133-CCT-C.
Other names: c.638_639del, p.Ser212_Ser213insTer (NM_001287246.2, NM_001287247.2); c.-656CT[1] (NM_001287248.2).
Identifiers: ClinVar variation 2862736 (VCV002862736.3), dbSNP rs2505393905, ClinGen allele CA2739269755.

ClinVar aggregate classification (germline): Pathogenic (1 of 4 stars; one submission).

Conditions:
Bloom syndrome (BLM). Also called: Bloom-Torre-Machacek syndrome. Identifiers: Orphanet 125, MedGen C0005859, MONDO:0008876, OMIM 210900.

Submission:

Labcorp Genetics (formerly Invitae), Labcorp
Classification: Pathogenic for Bloom syndrome. Last evaluated: 2023-09-27. Review status: criteria provided, single submitter. Criteria: Invitae Variant Classification Sherloc (09022015). Collection method: clinical testing. Allele origin: germline.
Comment: This variant has not been reported in the literature in individuals affected with BLM-related conditions. For these reasons, this variant has been classified as Pathogenic. This variant is not present in population databases (gnomAD no frequency). This sequence change creates a premature translational stop signal (p.Ser213*) in the BLM gene. It is expected to result in an absent or disrupted protein product. Loss-of-function variants in BLM are known to be pathogenic (PMID: 17407155).

Literature cited by the submitters: PubMed 17407155.